The following is an entry in ClinVar:

ClinVar aggregate classification (germline): Uncertain significance (1 of 4 stars; one submission).

Allele frequency attached by ClinVar (database versions not stated): gnomAD exomes 0.00003 and 0.00004; ExAC 0.00005.
gnomAD v4.1: 38 of 1,613,270 alleles (0.0024%); highest among the groups gnomAD compares: South Asian, 0.04%; 1 homozygote.

Submission:

Labcorp Genetics (formerly Invitae), Labcorp
Classification: Uncertain significance. Last evaluated: 2021-03-20. Review status: criteria provided, single submitter. Criteria: Invitae Variant Classification Sherloc (09022015). Collection method: clinical testing. Allele origin: germline.
Comment: In summary, the available evidence is currently insufficient to determine the role of this variant in disease. Therefore, it has been classified as a Variant of Uncertain Significance. Algorithms developed to predict the effect of missense changes on protein structure and function are either unavailable or do not agree on the potential impact of this missense change (SIFT: "Tolerated"; PolyPhen-2: "Probably Damaging"; Align-GVGD: "Class C15"). This variant has not been reported in the literature in individuals with ADGRA3-related conditions. This variant is present in population databases (rs745467266, ExAC 0.02%). This sequence change replaces threonine with isoleucine at codon 836 of the ADGRA3 protein (p.Thr836Ile). The threonine residue is highly conserved and there is a moderate physicochemical difference between threonine and isoleucine.

NM_145290.4(ADGRA3):c.2507C>T (p.Thr836Ile)

Gene: ADGRA3 (adhesion G protein-coupled receptor A3; minus strand). Cytogenetic location: 4p15.2.
Variant type: single nucleotide variant.
Coding change: c.2507C>T on transcript NM_145290.4 (MANE Select); coding-DNA position 2507, C replaced by T.
Protein change: p.Thr836Ile; replaces threonine 836 with isoleucine.
Molecular consequence: missense variant.
Genome position (GRCh38, 1-based): chr4:22,392,665, G>A on the plus strand (C>T on the coding strand, the complement: ADGRA3 is on the minus strand). VCF-style: chr4-22392665-G-A. GRCh37 (hg19) VCF-style: chr4-22394288-G-A.
Other names: short protein forms T836I.
Identifiers: ClinVar variation 970057 (VCV000970057.9), dbSNP rs745467266, ClinGen allele CA2873600.
Genomic context (GRCh38, chr4:22,392,665, plus strand): 5'-TTAGTGACTTGTTTGTAGATATTTCGAGCTGTCACTCCTACCCATAGTACTGTGGCAAGG[G>A]TGGAATAGTGAAGAATTATCCCAACCTACAAGGAAGATCAAAGAATAAATAAAAGAAAAA-3'
Protein context (NP_660333.2, residues 826-846): QAVGIILHYS[Thr836Ile]LATVLWVGVT